The following is an entry in ClinVar:

ClinVar aggregate classification (germline): Uncertain significance (1 of 4 stars; one submission).

Submission:

Labcorp Genetics (formerly Invitae), Labcorp
Classification: Uncertain significance. Last evaluated: 2024-02-17. Review status: criteria provided, single submitter. Criteria: Invitae Variant Classification Sherloc (09022015). Collection method: clinical testing. Allele origin: germline.
Comment: This sequence change replaces arginine, which is basic and polar, with proline, which is neutral and non-polar, at codon 247 of the WNT3A protein (p.Arg247Pro). This variant is not present in population databases (gnomAD no frequency). This variant has not been reported in the literature in individuals affected with WNT3A-related conditions. ClinVar contains an entry for this variant (Variation ID: 1472439). An algorithm developed to predict the effect of missense changes on protein structure and function (PolyPhen-2) suggests that this variant is likely to be disruptive. In summary, the available evidence is currently insufficient to determine the role of this variant in disease. Therefore, it has been classified as a Variant of Uncertain Significance.

NM_033131.4(WNT3A):c.740G>C (p.Arg247Pro)

Gene: WNT3A (Wnt family member 3A; plus strand). Cytogenetic location: 1q42.13.
Variant type: single nucleotide variant.
Coding change: c.740G>C on transcript NM_033131.4 (MANE Select); coding-DNA position 740, G replaced by C.
Protein change: p.Arg247Pro; replaces arginine 247 with proline.
Molecular consequence: missense variant.
Genome position (GRCh38, 1-based): chr1:228,059,146, G>C. VCF-style: chr1-228059146-G-C. GRCh37 (hg19) VCF-style: chr1-228246847-G-C.
Other names: short protein forms R247P.
Identifiers: ClinVar variation 1472439 (VCV001472439.6), dbSNP rs904646118, ClinGen allele CA39148126.